The following is an entry in ClinVar:

ClinVar aggregate classification (germline): Uncertain significance (1 of 4 stars; one submission).

Allele frequency attached by ClinVar (database versions not stated): TOPMed below 0.00001; gnomAD 0.00001; gnomAD exomes 0.00001.
gnomAD v4.1: 6 of 1,548,704 alleles (0.00039%); highest among the groups gnomAD compares: African/African-American, 0.0014%; no homozygotes.

Submission:

Labcorp Genetics (formerly Invitae), Labcorp
Classification: Uncertain significance. Last evaluated: 2023-07-17. Review status: criteria provided, single submitter. Criteria: Invitae Variant Classification Sherloc (09022015). Collection method: clinical testing. Allele origin: germline.
Comment: In summary, the available evidence is currently insufficient to determine the role of this variant in disease. Therefore, it has been classified as a Variant of Uncertain Significance. An algorithm developed to predict the effect of missense changes on protein structure and function (PolyPhen-2) suggests that this variant is likely to be tolerated. ClinVar contains an entry for this variant (Variation ID: 1962114). This variant has not been reported in the literature in individuals affected with PRPF31-related conditions. This variant is not present in population databases (gnomAD no frequency). This sequence change replaces glutamic acid, which is acidic and polar, with valine, which is neutral and non-polar, at codon 319 of the PRPF31 protein (p.Glu319Val).

NM_015629.4(PRPF31):c.956A>T (p.Glu319Val)

Gene: PRPF31 (pre-mRNA processing factor 31; plus strand). Cytogenetic location: 19q13.42.
Variant type: single nucleotide variant.
Coding change: c.956A>T on transcript NM_015629.4 (MANE Select); coding-DNA position 956, A replaced by T.
Protein change: p.Glu319Val; replaces glutamic acid 319 with valine.
Molecular consequence: missense variant.
Genome position (GRCh38, 1-based): chr19:54,128,083, A>T. VCF-style: chr19-54128083-A-T. GRCh37 (hg19) VCF-style: chr19-54631458-A-T.
Other names: short protein forms E319V.
Identifiers: ClinVar variation 1962114 (VCV001962114.5), dbSNP rs1218417233, ClinGen allele CA407752852.